The following is an entry in ClinVar:

NM_017671.5(FERMT1):c.958-3T>C

Gene: FERMT1 (FERM domain containing kindlin 1; minus strand). Cytogenetic location: 20p12.3.
Variant type: single nucleotide variant.
Coding change: c.958-3T>C on transcript NM_017671.5 (MANE Select); 3 bases into the intron before coding-DNA position 958, T replaced by C.
Molecular consequence: intron variant.
Genome position (GRCh38, 1-based): chr20:6,097,036, A>G on the plus strand (T>C on the coding strand, the complement: FERMT1 is on the minus strand). VCF-style: chr20-6097036-A-G. GRCh37 (hg19) VCF-style: chr20-6077683-A-G.
Identifiers: ClinVar variation 2073935 (VCV002073935.4), dbSNP rs371256175, ClinGen allele CA311218468.

ClinVar aggregate classification (germline): Uncertain significance (1 of 4 stars; one submission).

Allele frequency attached by ClinVar (database versions not stated): gnomAD exomes below 0.00001; TOPMed below 0.00001; ESP Exome Variant Server 0.00008.
gnomAD v4.1: 2 of 1,613,458 alleles (0.00012%); highest among the groups gnomAD compares: Non-Finnish European, 0.00017%; no homozygotes.

Submission:

Labcorp Genetics (formerly Invitae), Labcorp
Classification: Uncertain significance. Last evaluated: 2022-01-17. Review status: criteria provided, single submitter. Criteria: Invitae Variant Classification Sherloc (09022015). Collection method: clinical testing. Allele origin: germline.
Comment: Variants that disrupt the consensus splice site are a relatively common cause of aberrant splicing (PMID: 17576681, 9536098). Algorithms developed to predict the effect of sequence changes on RNA splicing suggest that this variant is not likely to affect RNA splicing. In summary, the available evidence is currently insufficient to determine the role of this variant in disease. Therefore, it has been classified as a Variant of Uncertain Significance. This sequence change falls in intron 7 of the FERMT1 gene. It does not directly change the encoded amino acid sequence of the FERMT1 protein. It affects a nucleotide within the consensus splice site. This variant is not present in population databases (gnomAD no frequency). This variant has not been reported in the literature in individuals affected with FERMT1-related conditions.

Literature cited by the submitters: PubMed 17576681; PubMed 9536098.